The following is an entry in ClinVar:

ClinVar aggregate classification (germline): Uncertain significance (1 of 4 stars; one submission).

Conditions:
PHIP-related disorder. Also called: PHIP-related disorders; PHIP-related condition.

Submission:

PreventionGenetics, part of Exact Sciences
Classification: Uncertain significance for PHIP-related condition. Last evaluated: 2026-08-05. Review status: criteria provided, single submitter. Criteria: ACMG Guidelines, 2015. Collection method: clinical testing. Allele origin: germline.
Comment: The PHIP c.338A>G variant is predicted to result in the amino acid substitution p.Lys113Arg. To our knowledge, this variant has not been reported in the literature or in a large population database (gnomAD), indicating this variant is rare. At this time, the clinical significance of this variant is uncertain due to the absence of conclusive functional and genetic evidence.

NM_017934.7(PHIP):c.338A>G (p.Lys113Arg)

Gene: PHIP (PHIP subunit of CUL4-Ring ligase complex; minus strand). Cytogenetic location: 6q14.1.
Variant type: single nucleotide variant.
Coding change: c.338A>G on transcript NM_017934.7 (MANE Select); coding-DNA position 338, A replaced by G.
Protein change: p.Lys113Arg; replaces lysine 113 with arginine.
Molecular consequence: missense variant.
Genome position (GRCh38, 1-based): chr6:79,060,670, T>C on the plus strand (A>G on the coding strand, the complement: PHIP is on the minus strand). VCF-style: chr6-79060670-T-C. GRCh37 (hg19) VCF-style: chr6-79770387-T-C.
Other names: short protein forms K113R.
Identifiers: ClinVar variation 4995489 (VCV004995489.1).